The following is an entry in ClinVar:

NM_000038.6(APC):c.4019C>G (p.Ser1340Cys)

Gene: APC (APC regulator of Wnt signaling pathway; plus strand). Cytogenetic location: 5q22.2.
Variant type: single nucleotide variant.
Coding change: c.4019C>G on transcript NM_000038.6 (MANE Select); coding-DNA position 4019, C replaced by G.
Protein change: p.Ser1340Cys; replaces serine 1340 with cysteine.
Molecular consequence: missense variant.
Genome position (GRCh38, 1-based): chr5:112,839,613, C>G. VCF-style: chr5-112839613-C-G. GRCh37 (hg19) VCF-style: chr5-112175310-C-G.
Other names: c.4019C>G, p.Ser1340Cys (NM_001127510.3, NM_001354895.2); c.3965C>G, p.Ser1322Cys (NM_001127511.3); c.4073C>G, p.Ser1358Cys (NM_001354896.2); c.4049C>G, p.Ser1350Cys (NM_001354897.2); c.3944C>G, p.Ser1315Cys (NM_001354898.2); c.3935C>G, p.Ser1312Cys (NM_001354899.2); c.3896C>G, p.Ser1299Cys (NM_001354900.2); c.3842C>G, p.Ser1281Cys (NM_001354901.2); and 5 more; short protein forms S1322C, S1340C, S1180C, S1214C, S1239C, S1299C, S1057C, S1315C.
Identifiers: ClinVar variation 537457 (VCV000537457.13), dbSNP rs1280622194, ClinGen allele CA16030141.

ClinVar aggregate classification (germline): Uncertain significance. Review status: criteria provided, multiple submitters, no conflicts (2 of 4 stars). 3 submissions from 3 submitters: Uncertain significance (3). Last evaluated 2024-06-01.

Conditions:
Hereditary cancer-predisposing syndrome. Also called: Tumor predisposition; Hereditary Cancer Syndrome; Hereditary neoplastic syndrome; Neoplastic Syndromes, Hereditary. Identifiers: Orphanet 140162, MedGen C0027672, MeSH D009386, MONDO:0015356.
Familial adenomatous polyposis 1 (FAP1). Also called: FAMILIAL ADENOMATOUS POLYPOSIS 1, ATTENUATED; POLYPOSIS, ADENOMATOUS INTESTINAL. Identifiers: MedGen C2713442, MONDO:0021056, OMIM 175100. Disease mechanism: loss of function.

Allele frequency attached by ClinVar (database versions not stated): gnomAD exomes below 0.00001.

Submissions (3):

Women's Health and Genetics/Laboratory Corporation of America, LabCorp
Classification: Uncertain significance. Last evaluated: 2024-06-01. Review status: criteria provided, single submitter. Criteria: LabCorp Variant Classification Summary - May 2015. Collection method: clinical testing. Allele origin: germline.

Ambry Genetics
Classification: Uncertain significance for Hereditary cancer-predisposing syndrome. Last evaluated: 2024-02-22. Review status: criteria provided, single submitter. Criteria: Ambry Variant Classification Scheme 2023. Collection method: clinical testing. Allele origin: germline.
Comment: The p.S1340C variant (also known as c.4019C>G), located in coding exon 15 of the APC gene, results from a C to G substitution at nucleotide position 4019. The serine at codon 1340 is replaced by cysteine, an amino acid with dissimilar properties. This amino acid position is well conserved in available vertebrate species. In addition, in silico predictors for this gene do not accurately predict pathogenicity. Based on the available evidence, the clinical significance of this alteration remains unclear.

Labcorp Genetics (formerly Invitae), Labcorp
Classification: Uncertain significance for Familial adenomatous polyposis 1. Last evaluated: 2022-11-10. Review status: criteria provided, single submitter. Criteria: Invitae Variant Classification Sherloc (09022015). Collection method: clinical testing. Allele origin: germline.
Comment: This sequence change replaces serine, which is neutral and polar, with cysteine, which is neutral and slightly polar, at codon 1340 of the APC protein (p.Ser1340Cys). In summary, the available evidence is currently insufficient to determine the role of this variant in disease. Therefore, it has been classified as a Variant of Uncertain Significance. Advanced modeling of protein sequence and biophysical properties (such as structural, functional, and spatial information, amino acid conservation, physicochemical variation, residue mobility, and thermodynamic stability) performed at Invitae indicates that this missense variant is not expected to disrupt APC protein function. ClinVar contains an entry for this variant (Variation ID: 537457). This variant has not been reported in the literature in individuals affected with APC-related conditions. This variant is present in population databases (no rsID available, gnomAD 0.003%).